The following is an entry in ClinVar:

NM_033225.6(CSMD1):c.9300G>A (p.Pro3100=)

Genes: CSMD1 (CUB and Sushi multiple domains 1; minus strand), LOC105377785 (uncharacterized LOC105377785; plus strand). Cytogenetic location: 8p23.2.
Variant type: single nucleotide variant.
Coding change: c.9300G>A on transcript NM_033225.6 (MANE Select); coding-DNA position 9300, G replaced by A.
Protein change: p.Pro3100=; no amino-acid change (proline 3100 retained).
Molecular consequence: synonymous variant.
Genome position (GRCh38, 1-based): chr8:2,963,376, C>T on the plus strand (G>A on the coding strand, the complement: CSMD1 is on the minus strand). VCF-style: chr8-2963376-C-T. GRCh37 (hg19) VCF-style: chr8-2820898-C-T.
Identifiers: ClinVar variation 3041774 (VCV003041774.2), dbSNP rs761115346, ClinGen allele CA4605209.
Genomic context (GRCh38, chr8:2,963,376, plus strand): 5'-ACTTATGCTGGAGCCCCAGCGGAAATCACTTCCCTCCACTGTTCCATTCTGCACCGGCGG[C>T]GGCTGAGGACACAGCACGGCTATTTCCAAAGAACAAACAAGATCAACATTCCGGAGCTCC-3'
Protein context (NP_150094.5, residues 3090-3110): PVCKAVLCPQ[Pro3100=]PPVQNGTVEG

ClinVar aggregate classification (germline): Likely benign (0 of 4 stars; one submission).

Conditions:
CSMD1-related disorder. Also called: CSMD1-related condition.

Allele frequency attached by ClinVar (database versions not stated): ExAC 0.00002; gnomAD 0.00005; TOPMed 0.00008.
gnomAD v4.1: 19 of 1,613,768 alleles (0.0012%); highest among the groups gnomAD compares: African/African-American, 0.012%; no homozygotes.

Submission:

PreventionGenetics, part of Exact Sciences
Classification: Likely benign for CSMD1-related condition. Last evaluated: 2019-05-08. Review status: no assertion criteria provided. Collection method: clinical testing. Allele origin: germline.
Comment: This variant is classified as likely benign based on ACMG/AMP sequence variant interpretation guidelines (Richards et al. 2015 PMID: 25741868, with internal and published modifications).